The following is an entry in ClinVar:

NM_020975.6(RET):c.1233C>G (p.Ser411=)

Gene: RET (ret proto-oncogene; plus strand). Cytogenetic location: 10q11.21.
Variant type: single nucleotide variant.
Coding change: c.1233C>G on transcript NM_020975.6 (MANE Select); coding-DNA position 1233, C replaced by G.
Protein change: p.Ser411=; no amino-acid change (serine 411 retained).
Molecular consequence: synonymous variant. On other transcripts: intron variant (18).
Genome position (GRCh38, 1-based): chr10:43,109,200, C>G. VCF-style: chr10-43109200-C-G. GRCh37 (hg19) VCF-style: chr10-43604648-C-G.
Other names: c.471C>G, p.Ser157= (NM_001355216.2); c.1233C>G, p.Ser411= (NM_001406743.1, NM_001406744.1, NM_001406759.1 and 4 more transcripts); c.1104C>G, p.Ser368= (NM_001406761.1, NM_001406762.1, NM_001406764.1 and 1 more transcripts); c.945C>G, p.Ser315= (NM_001406766.1, NM_001406767.1, NM_001406770.1); c.795C>G, p.Ser265= (NM_001406771.1, NM_001406773.1); c.507C>G, p.Ser169= (NM_001406775.1, NM_001406776.1, NM_001406777.1 and 1 more transcripts); c.243C>G, p.Ser81= (NM_001406784.1); c.868-2007C>G (NM_001406772.1, NM_001406769.1); and 5 more.
Identifiers: ClinVar variation 5028157 (VCV005028157.1).
Genomic context (GRCh38, chr10:43,109,200, plus strand): 5'-CCACTTCAACGTGTCGGTGCTGCCGGTCAGCCTGCACCTGCCCAGTACCTACTCCCTCTC[C>G]GTGAGCAGGAGGGCTCGCCGATTTGCCCAGGTGAGCCCATACCTATTGCCTGTCTGGGGA-3'
Protein context (NP_066124.1, residues 401-421): SLHLPSTYSL[Ser411=]VSRRARRFAQ

ClinVar aggregate classification (germline): Uncertain significance (1 of 4 stars; one submission).

Conditions:
Hereditary cancer-predisposing syndrome. Also called: Neoplastic Syndromes, Hereditary; Tumor predisposition; Hereditary neoplastic syndrome; Hereditary Cancer Syndrome. Identifiers: Orphanet 140162, MedGen C0027672, MeSH D009386, MONDO:0015356.

Submission:

Ambry Genetics
Classification: Uncertain significance for Hereditary cancer-predisposing syndrome. Last evaluated: 2026-06-18. Review status: criteria provided, single submitter. Criteria: Ambry Variant Classification Scheme 2023. Collection method: clinical testing. Allele origin: germline.
Comment: The c.1233C>G variant (also known as p.S411S), located in coding exon 6 of the RET gene, results from a C to G substitution at nucleotide position 1233. This nucleotide substitution does not change the serine at codon 411. This nucleotide position is not well conserved in available vertebrate species. In silico splice site analysis predicts that this alteration will result in the creation or strengthening of a novel splice donor site. Based on the available evidence, the clinical significance of this variant remains unclear.